The following is an entry in ClinVar:

ClinVar aggregate classification (germline): Uncertain significance (1 of 4 stars; one submission).

Submission:

GeneDx
Classification: Uncertain significance. Last evaluated: 2026-02-20. Review status: criteria provided, single submitter. Criteria: GeneDx Variant Classification Process June 2021. Collection method: clinical testing. Allele origin: germline.
Comment: Not observed at significant frequency in large population cohorts (gnomAD); In silico analysis supports that this missense variant has a deleterious effect on protein structure/function; Has not been previously published as pathogenic or benign to our knowledge

NM_001368397.1(FRMPD4):c.3779C>T (p.Pro1260Leu)

Gene: FRMPD4 (FERM and PDZ domain containing 4; plus strand). Cytogenetic location: Xp22.2.
Variant type: single nucleotide variant.
Coding change: c.3779C>T on transcript NM_001368397.1 (MANE Select); coding-DNA position 3779, C replaced by T.
Protein change: p.Pro1260Leu; replaces proline 1260 with leucine.
Molecular consequence: missense variant.
Genome position (GRCh38, 1-based): chrX:12,718,605, C>T. VCF-style: chrX-12718605-C-T. GRCh37 (hg19) VCF-style: chrX-12736724-C-T.
Other names: c.3890C>T, p.Pro1297Leu (NM_001368395.3, NM_001368398.3); c.3785C>T, p.Pro1262Leu (NM_001368396.3); c.3770C>T, p.Pro1257Leu (NM_001368399.3); c.3659C>T, p.Pro1220Leu (NM_001368400.3); c.3755C>T, p.Pro1252Leu (NM_001368401.1, NM_001368402.3); c.3779C>T, p.Pro1260Leu (NM_014728.3); short protein forms P1252L, P1297L, P1220L, P1257L, P1260L, P1262L.
Identifiers: ClinVar variation 5008768 (VCV005008768.1).